The following is an entry in ClinVar:

NM_015346.4(ZFYVE26):c.7529G>A (p.Ser2510Asn)

Gene: ZFYVE26 (zinc finger FYVE-type containing 26; minus strand). Cytogenetic location: 14q24.1.
Variant type: single nucleotide variant.
Coding change: c.7529G>A on transcript NM_015346.4 (MANE Select); coding-DNA position 7529, G replaced by A.
Protein change: p.Ser2510Asn; replaces serine 2510 with asparagine.
Molecular consequence: missense variant.
Genome position (GRCh38, 1-based): chr14:67,748,527, C>T on the plus strand (G>A on the coding strand, the complement: ZFYVE26 is on the minus strand). VCF-style: chr14-67748527-C-T. GRCh37 (hg19) VCF-style: chr14-68215244-C-T.
Other names: short protein forms S2510N.
Identifiers: ClinVar variation 4691521 (VCV004691521.2).

ClinVar aggregate classification (germline): Uncertain significance. Review status: criteria provided, multiple submitters, no conflicts (2 of 4 stars). 2 submissions from 2 submitters: Uncertain significance (2). Last evaluated 2025-10-08.

Conditions:
Spastic paraplegia. Identifiers: MedGen C0037772, HP:0001258.

gnomAD v4.1: 77 of 1,614,006 alleles (0.0048%); highest among the groups gnomAD compares: Non-Finnish European, 0.0013%; no homozygotes.

Submissions (2):

Labcorp Genetics (formerly Invitae), Labcorp
Classification: Uncertain significance for Spastic paraplegia. Last evaluated: 2025-10-08. Review status: criteria provided, single submitter. Criteria: Invitae Variant Classification Sherloc (09022015). Collection method: clinical testing. Allele origin: germline.
Comment: This sequence change replaces serine, which is neutral and polar, with asparagine, which is neutral and polar, at codon 2510 of the ZFYVE26 protein (p.Ser2510Asn). This variant is present in population databases (rs199927580, gnomAD 0.09%). This variant has not been reported in the literature in individuals affected with ZFYVE26-related conditions. An algorithm developed to predict the effect of missense changes on protein structure and function (PolyPhen-2) suggests that this variant is likely to be disruptive. In summary, the available evidence is currently insufficient to determine the role of this variant in disease. Therefore, it has been classified as a Variant of Uncertain Significance.

Blueprint Genetics
Classification: Uncertain significance. Last evaluated: 2024-11-25. Review status: criteria provided, single submitter. Criteria: ACMG Guidelines, 2015. Collection method: clinical testing. Allele origin: germline.